The following is an entry in ClinVar:

ClinVar aggregate classification (germline): Uncertain significance (1 of 4 stars; one submission).

Submission:

Labcorp Genetics (formerly Invitae), Labcorp
Classification: Uncertain significance. Last evaluated: 2022-06-08. Review status: criteria provided, single submitter. Criteria: Invitae Variant Classification Sherloc (09022015). Collection method: clinical testing. Allele origin: germline.
Comment: In summary, the available evidence is currently insufficient to determine the role of this variant in disease. Therefore, it has been classified as a Variant of Uncertain Significance. Algorithms developed to predict the effect of missense changes on protein structure and function are either unavailable or do not agree on the potential impact of this missense change (SIFT: "Deleterious"; PolyPhen-2: "Probably Damaging"; Align-GVGD: "Class C0"). This variant has not been reported in the literature in individuals affected with CHM-related conditions. This variant is not present in population databases (gnomAD no frequency). This sequence change replaces tyrosine, which is neutral and polar, with phenylalanine, which is neutral and non-polar, at codon 565 of the CHM protein (p.Tyr565Phe).

NM_000390.4(CHM):c.1694A>T (p.Tyr565Phe)

Gene: CHM (CHM Rab escort protein; minus strand). Cytogenetic location: Xq21.2.
Variant type: single nucleotide variant.
Coding change: c.1694A>T on transcript NM_000390.4 (MANE Select); coding-DNA position 1694, A replaced by T.
Protein change: p.Tyr565Phe; replaces tyrosine 565 with phenylalanine.
Molecular consequence: missense variant.
Genome position (GRCh38, 1-based): chrX:85,873,128, T>A on the plus strand (A>T on the coding strand, the complement: CHM is on the minus strand). VCF-style: chrX-85873128-T-A. GRCh37 (hg19) VCF-style: chrX-85128133-T-A.
Other names: c.1250A>T, p.Tyr417Phe (NM_001320959.1, NM_001362517.1, NM_001362518.2 and 1 more transcripts); short protein forms Y417F, Y565F.
Identifiers: ClinVar variation 2102058 (VCV002102058.4), dbSNP rs2520014443, ClinGen allele CA413786608.